The following is an entry in ClinVar:

ClinVar aggregate classification (germline): Likely pathogenic (1 of 4 stars; one submission).

Conditions:
Rare genetic deafness. Identifiers: Orphanet 96210, MedGen C5680250.

Submission:

Laboratory for Molecular Medicine, Mass General Brigham Personalized Medicine
Classification: Likely pathogenic for Rare genetic deafness. Last evaluated: 2015-06-03. Review status: criteria provided, single submitter. Criteria: LMM Criteria. Collection method: clinical testing. Allele origin: germline. Observed: 1 variant allele.
Comment: The p.Val342fs variant in ESRRB has not been previously reported in individuals with hearing loss. Data from large population studies is insufficient to assess the frequency of this variant. This variant is predicted to cause a frameshift, which alters the protein?s amino acid sequence beginning at position 342 and lea ds to a premature termination codon 42 amino acids downstream. This alteration i s then predicted to lead to a truncated or absent protein. Of note, a homozygous frameshift variant at the same amino acid position (p.Val342fsX44) has been rep orted in 1 individual with nonsyndromic hearing loss, and segregated with diseas e in 7 affected family members (Collin 2008). In summary, although additional st udies are required to fully establish its clinical significance, this variant is likely pathogenic.

NM_001379180.1(ESRRB):c.1088_1089del (p.Val363fs)

Gene: ESRRB (estrogen related receptor beta; plus strand). Cytogenetic location: 14q24.3.
Variant type: Microsatellite.
Coding change: c.1088_1089del on transcript NM_001379180.1 (MANE Select); coding-DNA positions 1088 to 1089, 2 bases deleted (TG; older notation c.1088_1089delTG).
Protein change: p.Val363fs; shifts the reading frame from valine 363.
Molecular consequence: frameshift variant.
Genome position (GRCh38, 1-based): chr14:76,491,684-76,491,685, TG deleted; deleting any 2 consecutive bases within chr14:76,491,682-76,491,685 gives the same sequence; the c. name uses the placement nearest the transcript's 3' end. VCF-style (leftmost placement, unchanged base first): chr14-76491681-TTG-T. GRCh37 (hg19) VCF-style: chr14-76958024-TTG-T.
Other names: c.1025_1026delTG (NM_004452.3); c.1025_1026del, p.Val342fs (NM_004452.4); short protein forms V342fs, V363fs.
Identifiers: ClinVar variation 228259 (VCV000228259.4), dbSNP rs876657643, ClinGen allele CA10576972.